The following is an entry in ClinVar:

NM_016284.5(CNOT1):c.2392_2393delinsTT (p.Ala798Leu)

Gene: CNOT1 (CCR4-NOT transcription complex subunit 1; minus strand). Cytogenetic location: 16q21.
Variant type: Indel.
Coding change: c.2392_2393delinsTT on transcript NM_016284.5 (MANE Select); coding-DNA positions 2392 to 2393, GC replaced by TT.
Protein change: p.Ala798Leu; replaces alanine 798 with leucine.
Molecular consequence: missense variant. On other transcripts: non-coding transcript variant (1).
Genome position (GRCh38, 1-based): chr16:58,556,933-58,556,934, GC replaced by AA on the plus strand (GC replaced by TT on the coding strand, the reverse complement: CNOT1 is on the minus strand). VCF-style: chr16-58556933-GC-AA. GRCh37 (hg19) VCF-style: chr16-58590837-GC-AA.
Other names: c.2392_2393delinsTT, p.Ala798Leu (NM_001265612.2, NM_206999.3); short protein forms A798L.
Identifiers: ClinVar variation 2020013 (VCV002020013.4), dbSNP rs2543964464, ClinGen allele CA2580091742.

ClinVar aggregate classification (germline): Uncertain significance (1 of 4 stars; one submission).

Submission:

Labcorp Genetics (formerly Invitae), Labcorp
Classification: Uncertain significance. Last evaluated: 2024-10-07. Review status: criteria provided, single submitter. Criteria: Invitae Variant Classification Sherloc (09022015). Collection method: clinical testing. Allele origin: germline.
Comment: This sequence change replaces alanine, which is neutral and non-polar, with leucine, which is neutral and non-polar, at codon 798 of the CNOT1 protein (p.Ala798Leu). Information on the frequency of this variant in the gnomAD database is not available, as this variant may be reported differently in the database. This variant has not been reported in the literature in individuals affected with CNOT1-related conditions. ClinVar contains an entry for this variant (Variation ID: 2020013). An algorithm developed to predict the effect of missense changes on protein structure and function (PolyPhen-2) suggests that this variant is likely to be tolerated. In summary, the available evidence is currently insufficient to determine the role of this variant in disease. Therefore, it has been classified as a Variant of Uncertain Significance.